The following is an entry in ClinVar:

NM_000038.6(APC):c.1886del (p.Thr628_Leu629insTer)

Gene: APC (APC regulator of Wnt signaling pathway; plus strand). Cytogenetic location: 5q22.2.
Variant type: Deletion.
Coding change: c.1886del on transcript NM_000038.6 (MANE Select); coding-DNA position 1886, one base deleted (T; older notation c.1886delT).
Protein change: p.Thr628_Leu629insTer.
Molecular consequence: nonsense.
Genome position (GRCh38, 1-based): chr5:112,835,093, T deleted; the last of 3 consecutive T bases (chr5:112,835,091-112,835,093); deleting any one gives the same sequence. VCF-style (leftmost placement, unchanged base first): chr5-112835090-CT-C. GRCh37 (hg19) VCF-style: chr5-112170787-CT-C.
Other names: c.1886del (NM_000038.5); c.1886del, p.Thr628_Leu629insTer (NM_001127510.3, NM_001354895.2); c.1832del, p.Thr610_Leu611insTer (NM_001127511.3); c.1940del, p.Thr646_Leu647insTer (NM_001354896.2); c.1916del, p.Thr638_Leu639insTer (NM_001354897.2); c.1811del, p.Thr603_Leu604insTer (NM_001354898.2); c.1802del, p.Thr600_Leu601insTer (NM_001354899.2); c.1763del, p.Thr587_Leu588insTer (NM_001354900.2); and 6 more.
Identifiers: ClinVar variation 419996 (VCV000419996.16), dbSNP rs863224817, ClinGen allele CA16618076.

ClinVar aggregate classification (germline): Pathogenic. Review status: criteria provided, multiple submitters, no conflicts (2 of 4 stars). 4 submissions from 4 submitters: Pathogenic (4). Last evaluated 2024-06-24.

Conditions:
Hereditary cancer-predisposing syndrome. Also called: Hereditary neoplastic syndrome; Tumor predisposition; Neoplastic Syndromes, Hereditary; Hereditary Cancer Syndrome. Identifiers: Orphanet 140162, MedGen C0027672, MeSH D009386, MONDO:0015356.
Familial adenomatous polyposis 1 (FAP1). Also called: FAMILIAL ADENOMATOUS POLYPOSIS 1, ATTENUATED; POLYPOSIS, ADENOMATOUS INTESTINAL. Identifiers: MedGen C2713442, MONDO:0021056, OMIM 175100. Disease mechanism: loss of function.

Submissions (4):

Labcorp Genetics (formerly Invitae), Labcorp
Classification: Pathogenic for Familial adenomatous polyposis 1. Last evaluated: 2024-06-24. Review status: criteria provided, single submitter. Criteria: Invitae Variant Classification Sherloc (09022015). Collection method: clinical testing. Allele origin: germline.
Comment: This sequence change creates a premature translational stop signal (p.Leu629*) in the APC gene. It is expected to result in an absent or disrupted protein product. Loss-of-function variants in APC are known to be pathogenic (PMID: 17963004, 20685668). This variant is not present in population databases (gnomAD no frequency). This premature translational stop signal has been observed in individual(s) with familial adenomatous polyposis (PMID: 10077047, 26446593). ClinVar contains an entry for this variant (Variation ID: 419996). Algorithms developed to predict the effect of sequence changes on RNA splicing suggest that this variant may disrupt the consensus splice site. For these reasons, this variant has been classified as Pathogenic.

Myriad Genetics, Inc.
Classification: Pathogenic for Familial adenomatous polyposis 1. Last evaluated: 2023-05-03. Review status: criteria provided, single submitter. Criteria: Myriad Autosomal Dominant, Autosomal Recessive and X-Linked Classification Criteria (2023). Collection method: clinical testing. Allele origin: unknown.
Comment: This variant is considered pathogenic. This variant creates a termination codon and is predicted to result in premature protein truncation.

Ambry Genetics
Classification: Pathogenic for Hereditary cancer-predisposing syndrome. Last evaluated: 2023-04-04. Review status: criteria provided, single submitter. Criteria: Ambry Variant Classification Scheme 2023. Collection method: clinical testing. Allele origin: germline.
Comment: The c.1886delT variant, located in coding exon 14 of the APC gene, results from a deletion of one nucleotide at nucleotide position 1886, causing a translational frameshift with a predicted alternate stop codon (p.L629*). This alteration has been identified in cohorts of patients with a clinical diagnosis of Familial Adenomatous Polyposis syndrome (Gebert JF et al. Ann Surg, 1999 Mar;229:350-61; Friedl W et al. Hered Cancer Clin Pract, 2005 Sep;3:95-114); Papp J et al. Fam Cancer, 2016 Jan;15:85-97). In addition to the clinical data presented in the literature, this alteration is expected to result in loss of function by premature protein truncation or nonsense-mediated mRNA decay. As such, this alteration is interpreted as a disease-causing mutation.

GeneDx
Classification: Pathogenic. Last evaluated: 2017-05-04. Review status: criteria provided, single submitter. Criteria: GeneDx Variant Classification (06012015). Collection method: clinical testing. Allele origin: germline. Affected: yes.
Comment: This variant is denoted APC c.1886delT at the cDNA level and p.Leu629Ter (L629X) at the protein level. The substitution creates a nonsense variant, which changes a Leucine to a premature stop codon (TTA>TAG), and is predicted to cause loss of normal protein function through either protein truncation or nonsense-mediated mRNA decay. This variant has been reported in at least four individuals with a clinical history consistent with Familial Adenomatous Polyposis (Gismondi 1997, Gebert 1999, Friedl 2005, Papp 2015) and is considered pathogenic.

Literature cited by the submitters: PubMed 17963004 (cited by Labcorp Genetics (formerly Invitae), Labcorp); PubMed 20685668 (cited by Labcorp Genetics (formerly Invitae), Labcorp); PubMed 10077047 (cited by Labcorp Genetics (formerly Invitae), Labcorp and Ambry Genetics); PubMed 26446593 (cited by Labcorp Genetics (formerly Invitae), Labcorp and Ambry Genetics); PubMed 20223039 (cited by Ambry Genetics).